The following is an entry in ClinVar:

NM_006231.4(POLE):c.2987G>A (p.Gly996Asp)

Gene: POLE (DNA polymerase epsilon, catalytic subunit; minus strand). Cytogenetic location: 12q24.33.
Variant type: single nucleotide variant.
Coding change: c.2987G>A on transcript NM_006231.4 (MANE Select); coding-DNA position 2987, G replaced by A.
Protein change: p.Gly996Asp; replaces glycine 996 with aspartic acid.
Molecular consequence: missense variant.
Genome position (GRCh38, 1-based): chr12:132,661,042, C>T on the plus strand (G>A on the coding strand, the complement: POLE is on the minus strand). VCF-style: chr12-132661042-C-T. GRCh37 (hg19) VCF-style: chr12-133237628-C-T.
Other names: short protein forms G996D.
Identifiers: ClinVar variation 1507856 (VCV001507856.8), dbSNP rs2138690017, ClinGen allele CA387392374.

ClinVar aggregate classification (germline): Uncertain significance (1 of 4 stars; one submission).

Allele frequency attached by ClinVar (database versions not stated): gnomAD exomes 0.00001.
gnomAD v4.1: 7 of 1,614,128 alleles (0.00043%); highest among the groups gnomAD compares: Non-Finnish European, 0.00059%; no homozygotes.

Submission:

Labcorp Genetics (formerly Invitae), Labcorp
Classification: Uncertain significance. Last evaluated: 2024-04-29. Review status: criteria provided, single submitter. Criteria: Invitae Variant Classification Sherloc (09022015). Collection method: clinical testing. Allele origin: germline.
Comment: This sequence change replaces glycine, which is neutral and non-polar, with aspartic acid, which is acidic and polar, at codon 996 of the POLE protein (p.Gly996Asp). This variant is not present in population databases (gnomAD no frequency). This variant has not been reported in the literature in individuals affected with POLE-related conditions. ClinVar contains an entry for this variant (Variation ID: 1507856). Advanced modeling of protein sequence and biophysical properties (such as structural, functional, and spatial information, amino acid conservation, physicochemical variation, residue mobility, and thermodynamic stability) performed at Invitae indicates that this missense variant is expected to disrupt POLE protein function with a positive predictive value of 80%. In summary, the available evidence is currently insufficient to determine the role of this variant in disease. Therefore, it has been classified as a Variant of Uncertain Significance.